The following is an entry in ClinVar:

NM_006767.4(LZTR1):c.344C>A (p.Pro115Gln)

Gene: LZTR1 (leucine zipper like post translational regulator 1; plus strand). Cytogenetic location: 22q11.21.
Variant type: single nucleotide variant.
Coding change: c.344C>A on transcript NM_006767.4 (MANE Select); coding-DNA position 344, C replaced by A.
Protein change: p.Pro115Gln; replaces proline 115 with glutamine.
Molecular consequence: missense variant.
Genome position (GRCh38, 1-based): chr22:20,987,527, C>A. VCF-style: chr22-20987527-C-A. GRCh37 (hg19) VCF-style: chr22-21341816-C-A.
Other names: short protein forms P115Q.
Identifiers: ClinVar variation 3365710 (VCV003365710.4).

ClinVar aggregate classification (germline): Uncertain significance. Review status: criteria provided, multiple submitters, no conflicts (2 of 4 stars). 2 submissions from 2 submitters: Uncertain significance (2). Last evaluated 2026-09-08.

Conditions:
Hereditary cancer-predisposing syndrome. Also called: Tumor predisposition; Hereditary Cancer Syndrome; Hereditary neoplastic syndrome; Neoplastic Syndromes, Hereditary. Identifiers: Orphanet 140162, MedGen C0027672, MeSH D009386, MONDO:0015356.
Cardiovascular phenotype. Identifiers: MedGen CN230736.

gnomAD v4.1: 2 of 1,614,000 alleles (0.00012%); highest among the groups gnomAD compares: Non-Finnish European, 0.00017%; no homozygotes.

Submissions (2):

Ambry Genetics
Classification: Uncertain significance for Cardiovascular phenotype; Hereditary cancer-predisposing syndrome. Last evaluated: 2026-09-08. Review status: criteria provided, single submitter. Criteria: Ambry Variant Classification Scheme 2023. Collection method: clinical testing. Allele origin: germline.
Comment: The p.P115Q variant (also known as c.344C>A), located in coding exon 4 of the LZTR1 gene, results from a C to A substitution at nucleotide position 344. The proline at codon 115 is replaced by glutamine, an amino acid with similar properties. This amino acid position is conserved. In silico splice site analysis predicts that this alteration will not have any significant effect on splicing, direct evidence is insufficient at this time (Ambry internal data). In addition, this alteration is predicted to be deleterious by in silico analysis. Based on the available evidence, the clinical significance of this variant remains unclear.

GeneDx
Classification: Uncertain significance. Last evaluated: 2023-12-17. Review status: criteria provided, single submitter. Criteria: GeneDx Variant Classification Process June 2021. Collection method: clinical testing. Allele origin: germline. Affected: yes.
Comment: Not observed at significant frequency in large population cohorts (gnomAD); In silico analysis supports that this missense variant has a deleterious effect on protein structure/function; Has not been previously published as pathogenic or benign to our knowledge